The following is an entry in ClinVar:

ClinVar aggregate classification (germline): Likely benign (1 of 4 stars; one submission).

Conditions:
FHOD3-related disorder. Also called: FHOD3-related condition.

gnomAD v4.1: 16 of 1,613,672 alleles (0.00099%); highest among the groups gnomAD compares: South Asian, 0.0022%; no homozygotes.

Submission:

PreventionGenetics, part of Exact Sciences
Classification: Likely benign for FHOD3-related condition. Last evaluated: 2026-03-18. Review status: criteria provided, single submitter. Criteria: ACMG Guidelines, 2015. Collection method: clinical testing. Allele origin: germline.
Comment: This variant is classified as likely benign based on ACMG/AMP sequence variant interpretation guidelines (Richards et al. 2015 PMID: 25741868, with internal and published modifications).

NM_001281740.3(FHOD3):c.4017C>T (p.Ile1339=)

Gene: FHOD3 (formin homology 2 domain containing 3; plus strand). Cytogenetic location: 18q12.2.
Variant type: single nucleotide variant.
Coding change: c.4017C>T on transcript NM_001281740.3 (MANE Select); coding-DNA position 4017, C replaced by T.
Protein change: p.Ile1339=; no amino-acid change (isoleucine 1339 retained).
Molecular consequence: synonymous variant.
Genome position (GRCh38, 1-based): chr18:36,744,169, C>T. VCF-style: chr18-36744169-C-T. GRCh37 (hg19) VCF-style: chr18-34324132-C-T.
Other names: c.3441C>T, p.Ile1147= (NM_001281739.3); c.3492C>T, p.Ile1164= (NM_025135.5).
Identifiers: ClinVar variation 4989129 (VCV004989129.1).